The following is an entry in ClinVar:

NM_000038.6(APC):c.8146G>A (p.Val2716Met)

Gene: APC (APC regulator of Wnt signaling pathway; plus strand). Cytogenetic location: 5q22.2.
Variant type: single nucleotide variant.
Coding change: c.8146G>A on transcript NM_000038.6 (MANE Select); coding-DNA position 8146, G replaced by A.
Protein change: p.Val2716Met; replaces valine 2716 with methionine.
Molecular consequence: missense variant.
Genome position (GRCh38, 1-based): chr5:112,843,740, G>A. VCF-style: chr5-112843740-G-A. GRCh37 (hg19) VCF-style: chr5-112179437-G-A.
Other names: c.8146G>A, p.Val2716Met (NM_001127510.3, NM_001354895.2); c.8092G>A, p.Val2698Met (NM_001127511.3); c.8200G>A, p.Val2734Met (NM_001354896.2); c.8176G>A, p.Val2726Met (NM_001354897.2); c.8071G>A, p.Val2691Met (NM_001354898.2); c.8062G>A, p.Val2688Met (NM_001354899.2); c.8023G>A, p.Val2675Met (NM_001354900.2); c.7969G>A, p.Val2657Met (NM_001354901.2); and 5 more; short protein forms V2698M, V2716M, V2590M, V2615M, V2625M, V2691M, V2433M, V2657M.
Identifiers: ClinVar variation 140954 (VCV000140954.21), dbSNP rs587778044, ClinGen allele CA014393.

ClinVar aggregate classification (germline): Conflicting classifications of pathogenicity. Review status: criteria provided, conflicting classifications (1 of 4 stars). 6 submissions from 6 submitters: Uncertain significance (3); Likely benign (2). 1 of the submissions does not count toward it. Last evaluated 2026-01-28.

Conditions:
Hereditary cancer-predisposing syndrome. Also called: Neoplastic Syndromes, Hereditary; Tumor predisposition; Hereditary Cancer Syndrome; Hereditary neoplastic syndrome. Identifiers: Orphanet 140162, MedGen C0027672, MeSH D009386, MONDO:0015356.
Familial adenomatous polyposis 1 (FAP1). Also called: FAMILIAL ADENOMATOUS POLYPOSIS 1, ATTENUATED; POLYPOSIS, ADENOMATOUS INTESTINAL. Identifiers: MedGen C2713442, MONDO:0021056, OMIM 175100. Disease mechanism: loss of function.

Allele frequency attached by ClinVar (database versions not stated): gnomAD 0.00001; gnomAD exomes 0.00001; TOPMed 0.00001; ExAC 0.00002.
gnomAD v4.1: 30 of 1,613,910 alleles (0.0019%); highest among the groups gnomAD compares: Non-Finnish European, 0.0024%; no homozygotes.

Submissions (6):

Labcorp Genetics (formerly Invitae), Labcorp
Classification: Uncertain significance for Familial adenomatous polyposis 1. Last evaluated: 2026-01-28. Review status: criteria provided, single submitter. Criteria: Invitae Variant Classification Sherloc (09022015). Collection method: clinical testing. Allele origin: germline.
Comment: This sequence change replaces valine, which is neutral and non-polar, with methionine, which is neutral and non-polar, at codon 2716 of the APC protein (p.Val2716Met). This variant is present in population databases (rs587778044, gnomAD 0.004%). This variant has not been reported in the literature in individuals affected with APC-related conditions. ClinVar contains an entry for this variant (Variation ID: 140954). Invitae Evidence Modeling of protein sequence and biophysical properties (such as structural, functional, and spatial information, amino acid conservation, physicochemical variation, residue mobility, and thermodynamic stability) indicates that this missense variant is not expected to disrupt APC protein function with a negative predictive value of 95%. In summary, the available evidence is currently insufficient to determine the role of this variant in disease. Therefore, it has been classified as a Variant of Uncertain Significance.

Color Diagnostics, LLC DBA Color Health
Classification: Likely benign for Hereditary cancer-predisposing syndrome. Last evaluated: 2024-09-24. Review status: criteria provided, single submitter. Criteria: ACMG Guidelines, 2015. Collection method: clinical testing. Allele origin: germline.

GeneDx
Classification: Uncertain significance. Last evaluated: 2023-11-14. Review status: criteria provided, single submitter. Criteria: GeneDx Variant Classification Process June 2021. Collection method: clinical testing. Allele origin: germline. Affected: yes.
Comment: Not observed at significant frequency in large population cohorts (gnomAD); In silico analysis supports that this missense variant does not alter protein structure/function; Has not been previously published as pathogenic or benign to our knowledge; This variant is associated with the following publications: (PMID: 18199528)

Myriad Genetics, Inc.
Classification: Uncertain significance for Familial adenomatous polyposis 1. Last evaluated: 2023-02-21. Review status: criteria provided, single submitter. Criteria: Myriad Autosomal Dominant, Autosomal Recessive and X-Linked Classification Criteria (2023). Collection method: clinical testing. Allele origin: unknown.
Comment: This variant is classified as a variant of uncertain significance as there is insufficient evidence to determine its impact on protein function and/or cancer risk.

Ambry Genetics
Classification: Likely benign for Hereditary cancer-predisposing syndrome. Last evaluated: 2018-10-03. Review status: criteria provided, single submitter. Criteria: Ambry Variant Classification Scheme 2023. Collection method: clinical testing. Allele origin: germline.

Counsyl
Classification: Uncertain significance for Familial adenomatous polyposis 1. Last evaluated: 2015-12-10. Review status: no assertion criteria provided. Collection method: clinical testing. Allele origin: unknown. Not counted in ClinVar's aggregate classification.